The following is an entry in ClinVar:

ClinVar aggregate classification (germline): Uncertain significance. Review status: criteria provided, single submitter (1 of 4 stars). 2 submissions from 2 submitters: Uncertain significance (1). 1 of the submissions does not count toward it. Last evaluated 2025-08-11.

Conditions:
Neuronal ceroid lipofuscinosis 8 (CLN8). Also called: CLN8-Related Neuronal Ceroid-Lipofuscinosis. Identifiers: Orphanet 168491, Orphanet 228354, Orphanet 79264, MedGen C1838570, MONDO:0010830, OMIM 600143.
Neuronal ceroid lipofuscinosis. Also called: Neuronal Ceroid Lipofuscinoses. Identifiers: Orphanet 216, Orphanet 79263, MedGen C0027877, MONDO:0016295. Disease mechanism: loss of function.

Allele frequency attached by ClinVar (database versions not stated): gnomAD 0.00001 and 0.00002; TOPMed 0.00002; 1000 Genomes Project 0.00020; 1000 Genomes Project 30x 0.00031.

Submissions (2):

Labcorp Genetics (formerly Invitae), Labcorp
Classification: Uncertain significance for Neuronal ceroid lipofuscinosis. Last evaluated: 2025-08-11. Review status: criteria provided, single submitter. Criteria: Invitae Variant Classification Sherloc (09022015). Collection method: clinical testing. Allele origin: germline.
Comment: This sequence change replaces aspartic acid, which is acidic and polar, with tyrosine, which is neutral and polar, at codon 6 of the CLN8 protein (p.Asp6Tyr). This variant is present in population databases (rs200999640, gnomAD 0.03%). This variant has not been reported in the literature in individuals affected with CLN8-related conditions. ClinVar contains an entry for this variant (Variation ID: 951730). Invitae Evidence Modeling of protein sequence and biophysical properties (such as structural, functional, and spatial information, amino acid conservation, physicochemical variation, residue mobility, and thermodynamic stability) indicates that this missense variant is not expected to disrupt CLN8 protein function with a negative predictive value of 95%. In summary, the available evidence is currently insufficient to determine the role of this variant in disease. Therefore, it has been classified as a Variant of Uncertain Significance.

Natera, Inc.
Classification: Uncertain significance for Neuronal ceroid lipofuscinosis 8. Last evaluated: 2020-02-07. Review status: no assertion criteria provided. Collection method: clinical testing. Allele origin: germline. Not counted in ClinVar's aggregate classification.

NM_018941.4(CLN8):c.16G>T (p.Asp6Tyr)

Gene: CLN8 (CLN8 transmembrane ER and ERGIC protein; plus strand). Cytogenetic location: 8p23.3.
Variant type: single nucleotide variant.
Coding change: c.16G>T on transcript NM_018941.4 (MANE Select); coding-DNA position 16, G replaced by T.
Protein change: p.Asp6Tyr; replaces aspartic acid 6 with tyrosine.
Molecular consequence: missense variant.
Genome position (GRCh38, 1-based): chr8:1,771,070, G>T. VCF-style: chr8-1771070-G-T. GRCh37 (hg19) VCF-style: chr8-1719236-G-T.
Other names: short protein forms D6Y.
Identifiers: ClinVar variation 951730 (VCV000951730.6), dbSNP rs200999640, ClinGen allele CA4599172.